The following is an entry in ClinVar:

ClinVar aggregate classification (germline): Uncertain significance (1 of 4 stars; one submission).

Allele frequency attached by ClinVar (database versions not stated): TOPMed below 0.00001; gnomAD exomes 0.00001 and 0.00002; ESP Exome Variant Server 0.00008.
gnomAD v4.1: 27 of 1,614,162 alleles (0.0017%); highest among the groups gnomAD compares: Non-Finnish European, 0.0021%; no homozygotes.

Submission:

Labcorp Genetics (formerly Invitae), Labcorp
Classification: Uncertain significance. Last evaluated: 2022-06-27. Review status: criteria provided, single submitter. Criteria: Invitae Variant Classification Sherloc (09022015). Collection method: clinical testing. Allele origin: germline.
Comment: This sequence change replaces tyrosine, which is neutral and polar, with phenylalanine, which is neutral and non-polar, at codon 701 of the LAMC3 protein (p.Tyr701Phe). This variant is present in population databases (rs369272236, gnomAD 0.002%). This variant has not been reported in the literature in individuals affected with LAMC3-related conditions. Algorithms developed to predict the effect of missense changes on protein structure and function (SIFT, PolyPhen-2, Align-GVGD) all suggest that this variant is likely to be tolerated. In summary, the available evidence is currently insufficient to determine the role of this variant in disease. Therefore, it has been classified as a Variant of Uncertain Significance.

NM_006059.4(LAMC3):c.2102A>T (p.Tyr701Phe)

Gene: LAMC3 (laminin subunit gamma 3; plus strand). Cytogenetic location: 9q34.12.
Variant type: single nucleotide variant.
Coding change: c.2102A>T on transcript NM_006059.4 (MANE Select); coding-DNA position 2102, A replaced by T.
Protein change: p.Tyr701Phe; replaces tyrosine 701 with phenylalanine.
Molecular consequence: missense variant.
Genome position (GRCh38, 1-based): chr9:131,057,091, A>T. VCF-style: chr9-131057091-A-T. GRCh37 (hg19) VCF-style: chr9-133932478-A-T.
Other names: short protein forms Y701F.
Identifiers: ClinVar variation 1355521 (VCV001355521.3), dbSNP rs369272236, ClinGen allele CA200708687.